The following is an entry in ClinVar:

NM_001204.7(BMPR2):c.1885A>G (p.Ile629Val)

Gene: BMPR2 (bone morphogenetic protein receptor type 2; plus strand). Cytogenetic location: 2q33.2.
Variant type: single nucleotide variant.
Coding change: c.1885A>G on transcript NM_001204.7 (MANE Select); coding-DNA position 1885, A replaced by G.
Protein change: p.Ile629Val; replaces isoleucine 629 with valine.
Molecular consequence: missense variant.
Genome position (GRCh38, 1-based): chr2:202,555,550, A>G. VCF-style: chr2-202555550-A-G. GRCh37 (hg19) VCF-style: chr2-203420273-A-G.
Other names: short protein forms I629V.
Identifiers: ClinVar variation 3481275 (VCV003481275.1).
Genomic context (GRCh38, chr2:202,555,550, plus strand): 5'-TCCACCAACACAACAACCACAAACACCACAGGACTCACGCCAAGTACTGGCATGACTACT[A>G]TATCTGAGATGCCATACCCAGATGAAACAAATCTGCATACCACAAATGTTGCACAGTCAA-3'
Protein context (NP_001195.2, residues 619-639): GLTPSTGMTT[Ile629Val]SEMPYPDETN

ClinVar aggregate classification (germline): Uncertain significance (1 of 4 stars; one submission).

Conditions:
Inborn genetic diseases. Identifiers: MedGen C0950123, MeSH D030342.

gnomAD v4.1: 1 of 1,614,192 alleles (0.000062%); highest among the groups gnomAD compares: Non-Finnish European, 0.000085%; no homozygotes.

Submission:

Ambry Genetics
Classification: Uncertain significance for Inborn genetic diseases. Last evaluated: 2024-11-18. Review status: criteria provided, single submitter. Criteria: Ambry Variant Classification Scheme 2023. Collection method: clinical testing. Allele origin: germline.
Comment: The p.I629V variant (also known as c.1885A>G), located in coding exon 12 of the BMPR2 gene, results from an A to G substitution at nucleotide position 1885. The isoleucine at codon 629 is replaced by valine, an amino acid with highly similar properties. This amino acid position is conserved. In addition, this alteration is predicted to be tolerated by in silico analysis. Based on the available evidence, the clinical significance of this variant remains unclear.